The following is an entry in ClinVar:

NM_001110556.2(FLNA):c.4474+8_4474+9delinsAG

Gene: FLNA (filamin A; minus strand). Cytogenetic location: Xq28.
Variant type: Indel.
Coding change: c.4474+8_4474+9delinsAG on transcript NM_001110556.2 (MANE Select); bases 8 to 9 of the intron after coding-DNA position 4474, TT replaced by AG.
Molecular consequence: intron variant.
Genome position (GRCh38, 1-based): chrX:154,358,975-154,358,976, AA replaced by CT on the plus strand (TT replaced by AG on the coding strand, the reverse complement: FLNA is on the minus strand). VCF-style: chrX-154358975-AA-CT. GRCh37 (hg19) VCF-style: chrX-153587343-AA-CT.
Other names: c.4474+8_4474+9delinsAG (NM_001456.4).
Identifiers: ClinVar variation 1973616 (VCV001973616.5), dbSNP rs2522736981, ClinGen allele CA2580101901.
Genomic context (GRCh38, chrX:154,358,975, plus strand): 5'-TTTCCTTTCCCGGCCCTCAAACAGGACACTGCCCTCCTGACCCCTGGCTCCAGGCATGCA[AA>CT]CACTCACCTTTGGGCCCTTGCACTTTGACCTGCAATGGGGCCACACCAGCCTTGCTTGTG-3'

ClinVar aggregate classification (germline): Uncertain significance (1 of 4 stars; one submission).

Conditions:
Heterotopia, periventricular, X-linked dominant (PVNH1). Also called: PERIVENTRICULAR NODULAR HETEROTOPIA 1; PERIVENTRICULAR NODULAR HETEROTOPIA 4; HETEROTOPIA, PERIVENTRICULAR, 1; X-linked periventricular heterotopia. Identifiers: Orphanet 2149, Orphanet 82004, MedGen C1848213, MONDO:0010233, OMIM 300049.
Melnick-Needles syndrome (MNS). Also called: Melnick-Needles Syndrome (FLNA-MNS); MELNICK-NEEDLES OSTEODYSPLASTY; OSTEODYSPLASTY OF MELNICK AND NEEDLES. Identifiers: Orphanet 2484, MedGen C0025237, MONDO:0010650, OMIM 309350.
Oto-palato-digital syndrome, type II (OPD2). Also called: Otopalatodigital Syndrome Type 2 (FLNA-OPD2); FACIOPALATOOSSEOUS SYNDROME; OPD II SYNDROME; Otopalatodigital Syndrome, Type II. Identifiers: Orphanet 669, Orphanet 90652, MedGen C1844696, MONDO:0010571, OMIM 304120.
Frontometaphyseal dysplasia (FMD1). Identifiers: Orphanet 1826, MedGen C0265293, MONDO:0015942.

Submission:

Labcorp Genetics (formerly Invitae), Labcorp
Classification: Uncertain significance for Oto-palato-digital syndrome, type II; Heterotopia, periventricular, X-linked dominant; Frontometaphyseal dysplasia; Melnick-Needles syndrome. Last evaluated: 2022-06-29. Review status: criteria provided, single submitter. Criteria: Invitae Variant Classification Sherloc (09022015). Collection method: clinical testing. Allele origin: germline.
Comment: This sequence change falls in intron 26 of the FLNA gene. It does not directly change the encoded amino acid sequence of the FLNA protein. In summary, the available evidence is currently insufficient to determine the role of this variant in disease. Therefore, it has been classified as a Variant of Uncertain Significance. Experimental studies and prediction algorithms are not available or were not evaluated, and the effect of this variant on mRNA splicing is currently unknown. This variant has not been reported in the literature in individuals affected with FLNA-related conditions. Information on the frequency of this variant in the gnomAD database is not available, as this variant may be reported differently in the database.